The following is an entry in ClinVar:

NM_000204.5(CFI):c.1661A>T (p.Glu554Val)

Gene: CFI (complement factor I; minus strand). Cytogenetic location: 4q25.
Variant type: single nucleotide variant.
Coding change: c.1661A>T on transcript NM_000204.5 (MANE Select); coding-DNA position 1661, A replaced by T.
Protein change: p.Glu554Val; replaces glutamic acid 554 with valine.
Molecular consequence: missense variant. On other transcripts: non-coding transcript variant (3), intron variant (5).
Genome position (GRCh38, 1-based): chr4:109,740,984, T>A on the plus strand (A>T on the coding strand, the complement: CFI is on the minus strand). VCF-style: chr4-109740984-T-A. GRCh37 (hg19) VCF-style: chr4-110662140-T-A.
Other names: c.1685A>T, p.Glu562Val (NM_001318057.2); c.1640A>T, p.Glu547Val (NM_001331035.2); c.1604A>T, p.Glu535Val (NM_001375283.1); c.1052A>T, p.Glu351Val (NM_001375284.1); c.1513+1507A>T (NM_001375282.1, NM_001375280.1); c.1534+1507A>T (NM_001375281.1, NM_001375279.1); c.1558+1507A>T (NM_001375278.1); short protein forms E554V, E547V, E562V, E351V, E535V.
Identifiers: ClinVar variation 347145 (VCV000347145.19), dbSNP rs754572081, ClinGen allele CA3041844.

ClinVar aggregate classification (germline): Conflicting classifications of pathogenicity. Review status: criteria provided, conflicting classifications (1 of 4 stars). 4 submissions from 4 submitters: Likely pathogenic (1); Uncertain significance (3). Last evaluated 2026-09-17.

Conditions:
CFI-related disorder. Also called: CFI-related disorders; CFI-related condition. Identifiers: MedGen CN239325.

Allele frequency attached by ClinVar (database versions not stated): gnomAD exomes 0.00001; ExAC 0.00002; TOPMed 0.00002.
gnomAD v4.1: 75 of 1,614,078 alleles (0.0046%); highest among the groups gnomAD compares: Non-Finnish European, 0.0059%; no homozygotes.

Submissions (4):

Genomenon, Inc
Classification: Likely pathogenic for CFI-related disorder. Last evaluated: 2026-09-17. Review status: criteria provided, single submitter. Criteria: Genomenon Sequence Variant Interpretation Standards - Updated. Collection method: curation. Allele origin: germline. Affected: yes.
Comment: CFI p.Glu554Val (c.1661A>T) is a missense variant that changes the amino acid at codon 554 from Glutamic acid to Valine. This variant has been observed in at least one proband affected with a CFI-related disorder (PMID:32510551;20595690). Functional studies have been reported (PMID:32510551;32908800). This variant is located in a mutational hotspot and/or important functional domain. It is absent or not present at a significant frequency in gnomAD. In conclusion, we classify CFI p.Glu554Val (c.1661A>T) as a likely pathogenic variant.

Labcorp Genetics (formerly Invitae), Labcorp
Classification: Uncertain significance. Last evaluated: 2024-05-28. Review status: criteria provided, single submitter. Criteria: Invitae Variant Classification Sherloc (09022015). Collection method: clinical testing. Allele origin: germline.
Comment: This sequence change replaces glutamic acid, which is acidic and polar, with valine, which is neutral and non-polar, at codon 554 of the CFI protein (p.Glu554Val). This variant is present in population databases (rs754572081, gnomAD 0.002%). This missense change has been observed in individual(s) with CFI-related conditions (PMID: 20595690, 24036952, 32510551). ClinVar contains an entry for this variant (Variation ID: 347145). Advanced modeling of protein sequence and biophysical properties (such as structural, functional, and spatial information, amino acid conservation, physicochemical variation, residue mobility, and thermodynamic stability) performed at Invitae indicates that this missense variant is expected to disrupt CFI protein function with a positive predictive value of 80%. Studies have shown that this missense change alters CFI gene expression (PMID: 32510551). In summary, the available evidence is currently insufficient to determine the role of this variant in disease. Therefore, it has been classified as a Variant of Uncertain Significance.

GeneDx
Classification: Uncertain significance. Last evaluated: 2023-05-29. Review status: criteria provided, single submitter. Criteria: GeneDx Variant Classification Process June 2021. Collection method: clinical testing. Allele origin: germline. Affected: yes.
Comment: Reported in an individual with atypical hemolytic uremic syndrome who also had a variant in the CFH gene, however further studies demonstrated that E554V did not segregate with disease in the family while the CFH variant did (Noris et al., 2010; Bresin et al., 2013; Gastoldi et al., 2023); Identified in three cases from a large cohort of individuals with age-related macular degeneration; additional clinical information was not provided (Seddon et al., 2013); A published funcational study did not demonstrate a significant reduction in protein function (de Jong et al., 2020); In silico analysis supports that this missense variant has a deleterious effect on protein structure/function; Not observed at significant frequency in large population cohorts (gnomAD); This variant is associated with the following publications: (PMID: 32908800, 36845135, 32510551, 24161037, 23431077, 20595690, 24036952)

Mayo Clinic Laboratories, Mayo Clinic
Classification: Uncertain significance. Last evaluated: 2019-12-11. Review status: criteria provided, single submitter. Criteria: ACMG Guidelines, 2015. Collection method: clinical testing. Allele origin: germline. Observed: 1 variant allele.

Literature cited by the submitters: PubMed 32510551 (cited by Genomenon, Inc and Labcorp Genetics (formerly Invitae), Labcorp); PubMed 20595690 (cited by Genomenon, Inc and Labcorp Genetics (formerly Invitae), Labcorp); PubMed 32908800 (cited by Genomenon, Inc); PubMed 24036952 (cited by Labcorp Genetics (formerly Invitae), Labcorp).